The following is an entry in ClinVar:

ClinVar aggregate classification (germline): Uncertain significance (1 of 4 stars; one submission).

Conditions:
Cardiovascular phenotype. Identifiers: MedGen CN230736.

Submission:

Ambry Genetics
Classification: Uncertain significance for Cardiovascular phenotype. Last evaluated: 2024-12-21. Review status: criteria provided, single submitter. Criteria: Ambry Variant Classification Scheme 2023. Collection method: clinical testing. Allele origin: germline.
Comment: The p.E4464D variant (also known as c.13392G>C), located in coding exon 29 of the APOB gene, results from a G to C substitution at nucleotide position 13392. The glutamic acid at codon 4464 is replaced by aspartic acid, an amino acid with highly similar properties. This amino acid position is conserved. In addition, this alteration is predicted to be tolerated by in silico analysis. Based on the available evidence, the clinical significance of this variant remains unclear.

NM_000384.3(APOB):c.13392G>C (p.Glu4464Asp)

Gene: APOB (apolipoprotein B; minus strand). Cytogenetic location: 2p24.1.
Variant type: single nucleotide variant.
Coding change: c.13392G>C on transcript NM_000384.3 (MANE Select); coding-DNA position 13392, G replaced by C.
Protein change: p.Glu4464Asp; replaces glutamic acid 4464 with aspartic acid.
Molecular consequence: missense variant.
Genome position (GRCh38, 1-based): chr2:21,002,030, C>G on the plus strand (G>C on the coding strand, the complement: APOB is on the minus strand). VCF-style: chr2-21002030-C-G. GRCh37 (hg19) VCF-style: chr2-21224902-C-G.
Other names: short protein forms E4464D.
Identifiers: ClinVar variation 3885007 (VCV003885007.1).
Genomic context (GRCh38, chr2:21,002,030, plus strand): 5'-CGTCGCAATGGCCTGGCTTTTAATTATTTCCTGAGCAGTGGCAGAAAGCTCTGCAATCTT[C>G]TCTTTCCCTTTTCCATCTGGATCGGTAAGGATGCTAAGATATTCCTGAATATTTCTGTGC-3'
Protein context (NP_000375.3, residues 4454-4474): ILTDPDGKGK[Glu4464Asp]KIAELSATAQ